The following is an entry in ClinVar:

NM_001458.5(FLNC):c.3145_3146delinsTT (p.Gly1049Phe)

Gene: FLNC (filamin C; plus strand). Cytogenetic location: 7q32.1.
Variant type: Indel.
Coding change: c.3145_3146delinsTT on transcript NM_001458.5 (MANE Select); coding-DNA positions 3145 to 3146, GG replaced by TT.
Protein change: p.Gly1049Phe; replaces glycine 1049 with phenylalanine.
Molecular consequence: missense variant.
Genome position (GRCh38, 1-based): chr7:128,844,219-128,844,220, GG replaced by TT. VCF-style: chr7-128844219-GG-TT. GRCh37 (hg19) VCF-style: chr7-128484273-GG-TT.
Other names: c.3145_3146delinsTT, p.Gly1049Phe (NM_001127487.2); c.3145_3146delGGinsTT (NM_001458.4); short protein forms G1049F.
Identifiers: ClinVar variation 658275 (VCV000658275.12), dbSNP rs1585159401, ClinGen allele CA915945525.

ClinVar aggregate classification (germline): Conflicting classifications of pathogenicity. Review status: criteria provided, conflicting classifications (1 of 4 stars). 3 submissions from 3 submitters: Uncertain significance (2); Likely benign (1). Last evaluated 2024-12-01.

Conditions:
Hypertrophic cardiomyopathy 26. Also called: Cardiomyopathy, familial hypertrophic, 26. Identifiers: Orphanet 75249, MedGen C4310749, MONDO:0014883, OMIM 617047.
Myofibrillar myopathy 5. Also called: Filaminopathy (type); FILAMINOPATHY, AUTOSOMAL DOMINANT. Identifiers: Orphanet 171445, MedGen C1836050, MONDO:0012289, OMIM 609524.
Distal myopathy with posterior leg and anterior hand involvement. Also called: WILLIAMS DISTAL MYOPATHY. Identifiers: Orphanet 63273, MedGen C3279722, MONDO:0013550, OMIM 614065.
Dilated Cardiomyopathy, Dominant.
Cardiovascular phenotype. Identifiers: MedGen CN230736.

Submissions (3):

Labcorp Genetics (formerly Invitae), Labcorp
Classification: Uncertain significance for Distal myopathy with posterior leg and anterior hand involvement; Myofibrillar myopathy 5; Hypertrophic cardiomyopathy 26. Last evaluated: 2024-12-01. Review status: criteria provided, single submitter. Criteria: Invitae Variant Classification Sherloc (09022015). Collection method: clinical testing. Allele origin: germline.
Comment: This sequence change replaces glycine, which is neutral and non-polar, with phenylalanine, which is neutral and non-polar, at codon 1049 of the FLNC protein (p.Gly1049Phe). This variant is present in population databases (no rsID available, gnomAD 0.02%). This missense change has been observed in individual(s) with clinical features of FLCN-related conditions (PMID: 30411535). ClinVar contains an entry for this variant (Variation ID: 658275). An algorithm developed to predict the effect of missense changes on protein structure and function (PolyPhen-2) suggests that this variant is likely to be disruptive. In summary, the available evidence is currently insufficient to determine the role of this variant in disease. Therefore, it has been classified as a Variant of Uncertain Significance.

Fulgent Genetics
Classification: Uncertain significance for Myofibrillar myopathy 5; Distal myopathy with posterior leg and anterior hand involvement; Hypertrophic cardiomyopathy 26. Last evaluated: 2024-04-03. Review status: criteria provided, single submitter. Criteria: ACMG Guidelines, 2015. Collection method: clinical testing. Allele origin: germline.

Ambry Genetics
Classification: Likely benign for Cardiovascular phenotype. Last evaluated: 2023-03-20. Review status: criteria provided, single submitter. Criteria: Ambry Variant Classification Scheme 2023. Collection method: clinical testing. Allele origin: germline.

Literature cited by the submitters: PubMed 30411535 (cited by Labcorp Genetics (formerly Invitae), Labcorp and Ambry Genetics).